The following is an entry in ClinVar:

ClinVar aggregate classification (germline): Uncertain significance. Review status: criteria provided, multiple submitters, no conflicts (2 of 4 stars). 2 submissions from 2 submitters: Uncertain significance (2). Last evaluated 2024-09-06.

Conditions:
Dystonia 12 (DYT12). Also called: Rapid-Onset Dystonia-Parkinsonism (RDP); DYT-ATP1A3. Identifiers: Orphanet 71517, MedGen C1868681, MONDO:0007496, OMIM 128235.

Submissions (2):

Labcorp Genetics (formerly Invitae), Labcorp
Classification: Uncertain significance for Dystonia 12. Last evaluated: 2024-09-06. Review status: criteria provided, single submitter. Criteria: Invitae Variant Classification Sherloc (09022015). Collection method: clinical testing. Allele origin: germline.
Comment: This sequence change replaces methionine, which is neutral and non-polar, with valine, which is neutral and non-polar, at codon 31 of the ATP1A3 protein (p.Met31Val). This variant is not present in population databases (gnomAD no frequency). This variant has not been reported in the literature in individuals affected with ATP1A3-related conditions. An algorithm developed to predict the effect of missense changes on protein structure and function (PolyPhen-2) suggests that this variant is likely to be tolerated. In summary, the available evidence is currently insufficient to determine the role of this variant in disease. Therefore, it has been classified as a Variant of Uncertain Significance.

GeneDx
Classification: Uncertain significance. Last evaluated: 2024-03-22. Review status: criteria provided, single submitter. Criteria: GeneDx Variant Classification Process June 2021. Collection method: clinical testing. Allele origin: germline. Affected: yes.
Comment: Not observed at significant frequency in large population cohorts (gnomAD); In silico analysis supports that this missense variant does not alter protein structure/function; Has not been previously published as pathogenic or benign to our knowledge

NM_152296.5(ATP1A3):c.91A>G (p.Met31Val)

Gene: ATP1A3 (ATPase Na+/K+ transporting subunit alpha 3; minus strand). Cytogenetic location: 19q13.2.
Variant type: single nucleotide variant.
Coding change: c.91A>G on transcript NM_152296.5 (MANE Select); coding-DNA position 91, A replaced by G.
Protein change: p.Met31Val; replaces methionine 31 with valine.
Molecular consequence: missense variant.
Genome position (GRCh38, 1-based): chr19:41,988,478, T>C on the plus strand (A>G on the coding strand, the complement: ATP1A3 is on the minus strand). VCF-style: chr19-41988478-T-C. GRCh37 (hg19) VCF-style: chr19-42492630-T-C.
Other names: c.124A>G, p.Met42Val (NM_001256213.2); c.130A>G, p.Met44Val (NM_001256214.2); short protein forms M31V, M42V, M44V.
Identifiers: ClinVar variation 3371135 (VCV003371135.3).